The following is an entry in ClinVar:

ClinVar aggregate classification (germline): Uncertain significance (1 of 4 stars; one submission).

Conditions:
Hypertrophic cardiomyopathy. Also called: HYPERTROPHIC MYOCARDIOPATHY. Identifiers: Orphanet 217569, MedGen C0007194, MeSH D002312, MONDO:0005045, HP:0001639.

Submission:

Labcorp Genetics (formerly Invitae), Labcorp
Classification: Uncertain significance for Hypertrophic cardiomyopathy. Last evaluated: 2025-07-16. Review status: criteria provided, single submitter. Criteria: Invitae Variant Classification Sherloc (09022015). Collection method: clinical testing. Allele origin: germline.
Comment: This sequence change replaces proline, which is neutral and non-polar, with alanine, which is neutral and non-polar, at codon 99 of the MYL3 protein (p.Pro99Ala). This variant is not present in population databases (gnomAD no frequency). This variant has not been reported in the literature in individuals affected with MYL3-related conditions. ClinVar contains an entry for this variant (Variation ID: 1004847). An algorithm developed to predict the effect of missense changes on protein structure and function (PolyPhen-2) suggests that this variant is likely to be disruptive. In summary, the available evidence is currently insufficient to determine the role of this variant in disease. Therefore, it has been classified as a Variant of Uncertain Significance.

NM_000258.3(MYL3):c.295C>G (p.Pro99Ala)

Gene: MYL3 (myosin light chain 3; minus strand). Cytogenetic location: 3p21.31.
Variant type: single nucleotide variant.
Coding change: c.295C>G on transcript NM_000258.3 (MANE Select); coding-DNA position 295, C replaced by G.
Protein change: p.Pro99Ala; replaces proline 99 with alanine.
Molecular consequence: missense variant.
Genome position (GRCh38, 1-based): chr3:46,860,688, G>C on the plus strand (C>G on the coding strand, the complement: MYL3 is on the minus strand). VCF-style: chr3-46860688-G-C. GRCh37 (hg19) VCF-style: chr3-46902178-G-C.
Other names: short protein forms P99A.
Identifiers: ClinVar variation 1004847 (VCV001004847.5), dbSNP rs1701982094, ClinGen allele CA352497813.